The following is an entry in ClinVar:

ClinVar aggregate classification (germline): Benign. Review status: criteria provided, multiple submitters, no conflicts (2 of 4 stars). 3 submissions from 3 submitters: Benign (2). 1 of the submissions does not count toward it. Last evaluated 2026-01-10.

Conditions:
KCNK18-related disorder. Also called: KCNK18-related condition.

Allele frequency attached by ClinVar (database versions not stated): gnomAD exomes 0.00175; ExAC 0.00209; 1000 Genomes Project 30x 0.00640; 1000 Genomes Project 0.00679; gnomAD 0.00688 and 0.00737; TOPMed 0.00737; ESP Exome Variant Server 0.00784.

Submissions (3):

Labcorp Genetics (formerly Invitae), Labcorp
Classification: Benign. Last evaluated: 2026-01-10. Review status: criteria provided, single submitter. Criteria: Invitae Variant Classification Sherloc (09022015). Collection method: clinical testing. Allele origin: germline.

Breakthrough Genomics
Classification: Benign. Review status: criteria provided, single submitter. Criteria: ACMG Guidelines, 2015. Collection method: not provided. Allele origin: germline. Inheritance: Autosomal dominant inheritance. Affected: yes.

PreventionGenetics, part of Exact Sciences
Classification: Benign for KCNK18-related condition. Last evaluated: 2024-05-14. Review status: no assertion criteria provided. Collection method: clinical testing. Allele origin: germline. Not counted in ClinVar's aggregate classification.
Comment: This variant is classified as benign based on ACMG/AMP sequence variant interpretation guidelines (Richards et al. 2015 PMID: 25741868, with internal and published modifications).

NM_181840.1(KCNK18):c.593C>G (p.Ala198Gly)

Gene: KCNK18 (potassium two pore domain channel subfamily K member 18; plus strand). Cytogenetic location: 10q25.3.
Variant type: single nucleotide variant.
Coding change: c.593C>G on transcript NM_181840.1 (MANE Select); coding-DNA position 593, C replaced by G.
Protein change: p.Ala198Gly; replaces alanine 198 with glycine.
Molecular consequence: missense variant.
Genome position (GRCh38, 1-based): chr10:117,209,737, C>G. VCF-style: chr10-117209737-C-G. GRCh37 (hg19) VCF-style: chr10-118969248-C-G.
Other names: short protein forms A198G.
Identifiers: ClinVar variation 714489 (VCV000714489.10), dbSNP rs363359, ClinGen allele CA5710034.
Genomic context (GRCh38, chr10:117,209,737, plus strand): 5'-CCAAGTGGTGCCCCAAATCTCTCTTCAAGAAAAAACCGGACCCCAAGCCCGCAGATGAAG[C>G]TGTCCCTCAGATCATCATCAGTGCTGAAGAGCTTCCAGGCCCCAAACTTGGCACATGTCC-3'
Protein context (NP_862823.1, residues 188-208): KKPDPKPADE[Ala198Gly]VPQIIISAEE